The following is an entry in ClinVar:

NM_001191061.2(SLC25A22):c.541C>T (p.Arg181Cys)

Gene: SLC25A22 (solute carrier family 25 member 22; minus strand). Cytogenetic location: 11p15.5.
Variant type: single nucleotide variant.
Coding change: c.541C>T on transcript NM_001191061.2 (MANE Select); coding-DNA position 541, C replaced by T.
Protein change: p.Arg181Cys; replaces arginine 181 with cysteine.
Molecular consequence: missense variant.
Genome position (GRCh38, 1-based): chr11:792,599, G>A on the plus strand (C>T on the coding strand, the complement: SLC25A22 is on the minus strand). VCF-style: chr11-792599-G-A. GRCh37 (hg19) VCF-style: chr11-792599-G-A.
Other names: p.R181C:CGT>TGT; c.541C>T, p.Arg181Cys (NM_001191060.2, NM_024698.6); short protein forms R181C.
Identifiers: ClinVar variation 207176 (VCV000207176.12), dbSNP rs374216522, ClinGen allele CA318402.

ClinVar aggregate classification (germline): Uncertain significance. Review status: criteria provided, multiple submitters, no conflicts (2 of 4 stars). 3 submissions from 3 submitters: Uncertain significance (3). Last evaluated 2024-09-27.

Conditions:
Inborn genetic diseases. Identifiers: MedGen C0950123, MeSH D030342.
Developmental and epileptic encephalopathy. Identifiers: MedGen C5779964, MONDO:0100620.

Allele frequency attached by ClinVar (database versions not stated): gnomAD exomes 0.00002; ExAC 0.00003; gnomAD 0.00004; ESP Exome Variant Server 0.00008; TOPMed 0.00008.
gnomAD v4.1: 21 of 1,610,756 alleles (0.0013%); highest among the groups gnomAD compares: African/African-American, 0.017%; no homozygotes.

Submissions (3):

Ambry Genetics
Classification: Uncertain significance for Inborn genetic diseases. Last evaluated: 2024-09-27. Review status: criteria provided, single submitter. Criteria: Ambry Variant Classification Scheme 2023. Collection method: clinical testing. Allele origin: germline.

Labcorp Genetics (formerly Invitae), Labcorp
Classification: Uncertain significance for Early-infantile DEE. Last evaluated: 2022-08-10. Review status: criteria provided, single submitter. Criteria: Invitae Variant Classification Sherloc (09022015). Collection method: clinical testing. Allele origin: germline.
Comment: This sequence change replaces arginine, which is basic and polar, with cysteine, which is neutral and slightly polar, at codon 181 of the SLC25A22 protein (p.Arg181Cys). This variant is present in population databases (rs374216522, gnomAD 0.03%). This variant has not been reported in the literature in individuals affected with SLC25A22-related conditions. ClinVar contains an entry for this variant (Variation ID: 207176). Algorithms developed to predict the effect of missense changes on protein structure and function are either unavailable or do not agree on the potential impact of this missense change (SIFT: "Deleterious"; PolyPhen-2: "Possibly Damaging"; Align-GVGD: "Class C0"). In summary, the available evidence is currently insufficient to determine the role of this variant in disease. Therefore, it has been classified as a Variant of Uncertain Significance.

GeneDx
Classification: Uncertain significance. Last evaluated: 2020-06-12. Review status: criteria provided, single submitter. Criteria: GeneDx Variant Classification Process June 2021. Collection method: clinical testing. Allele origin: germline. Affected: yes.
Comment: In silico analysis supports that this missense variant has a deleterious effect on protein structure/function; Has not been previously published as pathogenic or benign to our knowledge